The following is an entry in ClinVar:

ClinVar aggregate classification (germline): Uncertain significance (1 of 4 stars; one submission).

Allele frequency attached by ClinVar (database versions not stated): TOPMed 0.00001; ExAC 0.00002; gnomAD 0.00002; gnomAD exomes 0.00004.
gnomAD v4.1: 67 of 1,614,112 alleles (0.0042%); highest among the groups gnomAD compares: Non-Finnish European, 0.0052%; no homozygotes.

Submission:

Labcorp Genetics (formerly Invitae), Labcorp
Classification: Uncertain significance. Last evaluated: 2022-03-11. Review status: criteria provided, single submitter. Criteria: Invitae Variant Classification Sherloc (09022015). Collection method: clinical testing. Allele origin: germline.
Comment: In summary, the available evidence is currently insufficient to determine the role of this variant in disease. Therefore, it has been classified as a Variant of Uncertain Significance. Algorithms developed to predict the effect of missense changes on protein structure and function output the following: SIFT: "Tolerated"; PolyPhen-2: "Benign"; Align-GVGD: "Class C0". The glutamic acid amino acid residue is found in multiple mammalian species, which suggests that this missense change does not adversely affect protein function. This variant has not been reported in the literature in individuals affected with FLAD1-related conditions. This variant is present in population databases (rs751193452, gnomAD 0.003%). This sequence change replaces glycine, which is neutral and non-polar, with glutamic acid, which is acidic and polar, at codon 270 of the FLAD1 protein (p.Gly270Glu).

NM_025207.5(FLAD1):c.809G>A (p.Gly270Glu)

Gene: FLAD1 (flavin adenine dinucleotide synthetase 1; plus strand). Cytogenetic location: 1q21.3.
Variant type: single nucleotide variant.
Coding change: c.809G>A on transcript NM_025207.5 (MANE Select); coding-DNA position 809, G replaced by A.
Protein change: p.Gly270Glu; replaces glycine 270 with glutamic acid.
Molecular consequence: missense variant.
Genome position (GRCh38, 1-based): chr1:154,988,541, G>A. VCF-style: chr1-154988541-G-A. GRCh37 (hg19) VCF-style: chr1-154961017-G-A.
Other names: c.518G>A, p.Gly173Glu (NM_001184891.2, NM_201398.3); c.512G>A, p.Gly171Glu (NM_001184892.2); short protein forms G173E, G171E, G270E.
Identifiers: ClinVar variation 2170254 (VCV002170254.3), dbSNP rs751193452, ClinGen allele CA1134411.
Genomic context (GRCh38, chr1:154,988,541, plus strand): 5'-ACGTCTACCTCTTCCCAGGCATTCCAGAGCTGCTGCGGCGGGTGCTGGAGGGGATGAAGG[G>A]ACTATTCCAAAACCCAGCTGTTCAGTTCCACTCAAAGGAGCTATATGTGGCTGCTGATGA-3'
Protein context (NP_079483.3, residues 260-280): LLRRVLEGMK[Gly270Glu]LFQNPAVQFH